The following is an entry in ClinVar:

NM_144699.4(ATP1A4):c.880G>T (p.Ala294Ser)

Gene: ATP1A4 (ATPase Na+/K+ transporting subunit alpha 4; plus strand). Cytogenetic location: 1q23.2.
Variant type: single nucleotide variant.
Coding change: c.880G>T on transcript NM_144699.4 (MANE Select); coding-DNA position 880, G replaced by T.
Protein change: p.Ala294Ser; replaces alanine 294 with serine.
Molecular consequence: missense variant.
Genome position (GRCh38, 1-based): chr1:160,164,257, G>T. VCF-style: chr1-160164257-G-T. GRCh37 (hg19) VCF-style: chr1-160134047-G-T.
Other names: short protein forms A294S.
Identifiers: ClinVar variation 3905311 (VCV003905311.10).
Genomic context (GRCh38, chr1:160,164,257, plus strand): 5'-GTGATGGGCAGAATTGCCTCCCTGACGTCAGGCCTGGCGGTTGGCCAGACACCTATCGCT[G>T]CTGAGATCGAACACTTCATCCATCTGATCACTGTGGTGGCCGTCTTCCTTGGTGTCACTT-3'
Protein context (NP_653300.2, residues 284-304): GLAVGQTPIA[Ala294Ser]EIEHFIHLIT

ClinVar aggregate classification (germline): Likely benign (1 of 4 stars; one submission).

gnomAD v4.1: 726 of 1,614,212 alleles (0.045%); highest among the groups gnomAD compares: South Asian, 0.76%; 14 homozygotes.

Submission:

CeGaT Center for Human Genetics Tuebingen
Classification: Likely benign. Last evaluated: 2025-06-01. Review status: criteria provided, single submitter. Criteria: CeGaT Center For Human Genetics Tuebingen Variant Classification Criteria Version 2. Collection method: clinical testing. Allele origin: germline. Affected: yes. Observed: 1 variant allele.
Comment: ATP1A4: BP4, BS2